The following is an entry in ClinVar:

ClinVar aggregate classification (germline): Pathogenic/Likely pathogenic. Review status: criteria provided, multiple submitters, no conflicts (2 of 4 stars). 2 submissions from 2 submitters: Pathogenic (1); Likely pathogenic (1). Last evaluated 2022-07-11.

Conditions:
LAMB2-related infantile-onset nephrotic syndrome. Also called: NEPHROTIC SYNDROME, TYPE 5, WITHOUT OCULAR ABNORMALITIES; NEPHROTIC SYNDROME, TYPE 5, WITH OCULAR ABNORMALITIES; Nephrotic Syndrome, type 5. Identifiers: Orphanet 306507, MedGen C3280113, MONDO:0013621, OMIM 614199.
Pierson syndrome. Also called: MICROCORIA-CONGENITAL NEPHROTIC SYNDROME. Identifiers: Orphanet 2670, MedGen C1836876, MONDO:0012184, OMIM 609049.

Allele frequency attached by ClinVar (database versions not stated): gnomAD exomes below 0.00001 and 0.00001; TOPMed below 0.00001; gnomAD 0.00001.

Submissions (2):

Labcorp Genetics (formerly Invitae), Labcorp
Classification: Pathogenic for LAMB2-related infantile-onset nephrotic syndrome; Pierson syndrome. Last evaluated: 2022-07-11. Review status: criteria provided, single submitter. Criteria: Invitae Variant Classification Sherloc (09022015). Collection method: clinical testing. Allele origin: germline.
Comment: Algorithms developed to predict the effect of sequence changes on RNA splicing suggest that this variant may create or strengthen a splice site. For these reasons, this variant has been classified as Pathogenic. This variant has not been reported in the literature in individuals affected with LAMB2-related conditions. This variant is present in population databases (no rsID available, gnomAD 0.0009%). This sequence change creates a premature translational stop signal (p.Cys522Valfs*46) in the LAMB2 gene. It is expected to result in an absent or disrupted protein product. Loss-of-function variants in LAMB2 are known to be pathogenic (PMID: 15367484). ClinVar contains an entry for this variant (Variation ID: 1179056).

Fulgent Genetics
Classification: Likely pathogenic for Pierson syndrome; LAMB2-related infantile-onset nephrotic syndrome. Last evaluated: 2021-06-30. Review status: criteria provided, single submitter. Criteria: ACMG Guidelines, 2015. Collection method: clinical testing. Allele origin: unknown.
Comment: This variant has been detected in individual(s) who were sent for testing of Renasight - kidney gene panel.

Literature cited by the submitters: PubMed 15367484 (cited by Labcorp Genetics (formerly Invitae), Labcorp).

NM_002292.4(LAMB2):c.1564del (p.Cys522fs)

Gene: LAMB2 (laminin subunit beta 2; minus strand). Cytogenetic location: 3p21.31.
Variant type: Deletion.
Coding change: c.1564del on transcript NM_002292.4 (MANE Select); coding-DNA position 1564, one base deleted (T; older notation c.1564delT).
Protein change: p.Cys522fs; shifts the reading frame from cysteine 522.
Molecular consequence: frameshift variant.
Genome position (GRCh38, 1-based): chr3:49,129,279, A deleted on the plus strand (T on the coding strand, the reverse complement: LAMB2 is on the minus strand). VCF-style (leftmost placement, unchanged base first): chr3-49129278-CA-C. GRCh37 (hg19) VCF-style: chr3-49166711-CA-C.
Other names: short protein forms C522fs.
Identifiers: ClinVar variation 1179056 (VCV001179056.7), dbSNP rs1377725272, ClinGen allele CA543048874.